The following is an entry in ClinVar:

NM_000343.4(SLC5A1):c.824del (p.Pro275fs)

Gene: SLC5A1 (solute carrier family 5 member 1; plus strand). Cytogenetic location: 22q12.3.
Variant type: Deletion.
Coding change: c.824del on transcript NM_000343.4 (MANE Select); coding-DNA position 824, one base deleted (C; older notation c.824delC).
Protein change: p.Pro275fs; shifts the reading frame from proline 275.
Molecular consequence: frameshift variant.
Genome position (GRCh38, 1-based): chr22:32,084,598, C deleted; the last of 3 consecutive C bases (chr22:32,084,596-32,084,598); deleting any one gives the same sequence. VCF-style (leftmost placement, unchanged base first): chr22-32084595-TC-T. GRCh37 (hg19) VCF-style: chr22-32480582-TC-T.
Other names: c.443del, p.Pro148fs (NM_001256314.2); short protein forms P148fs, P275fs.
Identifiers: ClinVar variation 2016672 (VCV002016672.4), dbSNP rs2517662048, ClinGen allele CA2580099654.

ClinVar aggregate classification (germline): Pathogenic (1 of 4 stars; one submission).

Conditions:
Congenital glucose-galactose malabsorption (GGM). Also called: DIARRHEA 16; MONOSACCHARIDE MALABSORPTION. Identifiers: Orphanet 35710, MedGen C0268186, MONDO:0011731, OMIM 606824.

Submission:

Labcorp Genetics (formerly Invitae), Labcorp
Classification: Pathogenic for Congenital glucose-galactose malabsorption. Last evaluated: 2022-07-13. Review status: criteria provided, single submitter. Criteria: Invitae Variant Classification Sherloc (09022015). Collection method: clinical testing. Allele origin: germline.
Comment: This variant has not been reported in the literature in individuals affected with SLC5A1-related conditions. For these reasons, this variant has been classified as Pathogenic. This variant is not present in population databases (gnomAD no frequency). This sequence change creates a premature translational stop signal (p.Pro275Hisfs*36) in the SLC5A1 gene. It is expected to result in an absent or disrupted protein product. Loss-of-function variants in SLC5A1 are known to be pathogenic (PMID: 8563765).

Literature cited by the submitters: PubMed 8563765.